The following is an entry in ClinVar:

NM_014727.3(KMT2B):c.5572dup (p.Arg1858fs)

Gene: KMT2B (lysine methyltransferase 2B; plus strand). Cytogenetic location: 19q13.12.
Variant type: Duplication.
Coding change: c.5572dup on transcript NM_014727.3 (MANE Select); coding-DNA position 5572, one base duplicated (C; older notation c.5572dupC).
Protein change: p.Arg1858fs; shifts the reading frame from arginine 1858.
Molecular consequence: frameshift variant.
Genome position (GRCh38, 1-based): chr19:35,732,042, C duplicated; the last of 6 consecutive C bases (chr19:35,732,037-35,732,042); duplicating any one gives the same sequence. VCF-style (leftmost placement, unchanged base first): chr19-35732036-G-GC. GRCh37 (hg19) VCF-style: chr19-36222937-G-GC.
Other names: short protein forms R1858fs.
Identifiers: ClinVar variation 1452284 (VCV001452284.6), dbSNP rs1161258635, ClinGen allele CA633059458.

ClinVar aggregate classification (germline): Pathogenic (1 of 4 stars; one submission).

Submission:

Labcorp Genetics (formerly Invitae), Labcorp
Classification: Pathogenic. Last evaluated: 2021-10-11. Review status: criteria provided, single submitter. Criteria: Invitae Variant Classification Sherloc (09022015). Collection method: clinical testing. Allele origin: germline.
Comment: For these reasons, this variant has been classified as Pathogenic. This variant has not been reported in the literature in individuals affected with KMT2B-related conditions. This variant is not present in population databases (ExAC no frequency). This sequence change creates a premature translational stop signal (p.Arg1858Profs*114) in the KMT2B gene. It is expected to result in an absent or disrupted protein product. Loss-of-function variants in KMT2B are known to be pathogenic (PMID: 27839873, 27992417).

Literature cited by the submitters: PubMed 27839873; PubMed 27992417.